The following is an entry in ClinVar:

Conditions:
Breast-ovarian cancer, familial, susceptibility to, 1 (BROVCA1). Also called: BRCA1 Hereditary Breast and Ovarian Cancer; OVARIAN CANCER, SUSCEPTIBILITY TO. Identifiers: Orphanet 145, MedGen C2676676, MONDO:0011450, OMIM 604370. Disease mechanism: loss of function.

Submission:

Brotman Baty Institute, University of Washington
No classification provided (evidence only). Condition: Breast-ovarian cancer, familial 1. Review status: no classification provided. Collection method: in vitro. Allele origin: not applicable. Functional consequence: functionally_normal.
ClinVar note: "not provided" was previously submitted as the classification for the variant. However, the classification appeared to be based only on an observation of functional data so it was converted to no classification on 2025-07-30.

NM_007294.4(BRCA1):c.5153-3T>A

Gene: BRCA1 (BRCA1 DNA repair associated; minus strand). Cytogenetic location: 17q21.31.
Variant type: single nucleotide variant.
Coding change: c.5153-3T>A on transcript NM_007294.4 (MANE Select); 3 bases into the intron before coding-DNA position 5153, T replaced by A.
Molecular consequence: intron variant.
Genome position (GRCh38, 1-based): chr17:43,063,376, A>T on the plus strand (T>A on the coding strand, the complement: BRCA1 is on the minus strand). VCF-style: chr17-43063376-A-T. GRCh37 (hg19) VCF-style: chr17-41215393-A-T.
Other names: c.1700-3T>A (NM_001408458.1, NM_001408461.1, NM_001408464.1 and 7 more transcripts); c.4262-3T>A (NM_001407967.1); c.4772-3T>A (NM_001407959.1); c.4886-3T>A (NM_001407931.1, NM_001407932.1, NM_001407928.1 and 4 more transcripts); c.5009-3T>A (NM_001407747.1, NM_001407745.1, NM_001407737.1 and 21 more transcripts); c.4769-3T>A (NM_001407962.1, NM_001407960.1); c.1340-3T>A (NM_001408512.1); c.1463-3T>A (NM_001408510.1); and 72 more.
Identifiers: ClinVar variation 868757 (VCV000868757.3), dbSNP rs375639469, ClinGen allele CA916080045.
Genomic context (GRCh38, chr17:43,063,376, plus strand): 5'-TAACATCAAGTACTTACCTCATTCAGCATTTTTCTTTCTTTAATAGACTGGGTCACCCCT[A>T]AAGAGATCATAGAAAAGACAGGTTACATACAGCAGAAGAACGTGCTCTTTTCACGGAGAT-3'